The following is an entry in ClinVar:

NM_021098.3(CACNA1H):c.6862G>A (p.Val2288Met)

Gene: CACNA1H (calcium voltage-gated channel subunit alpha1 H; plus strand). Cytogenetic location: 16p13.3.
Variant type: single nucleotide variant.
Coding change: c.6862G>A on transcript NM_021098.3 (MANE Select); coding-DNA position 6862, G replaced by A.
Protein change: p.Val2288Met; replaces valine 2288 with methionine.
Molecular consequence: missense variant.
Genome position (GRCh38, 1-based): chr16:1,220,794, G>A. VCF-style: chr16-1220794-G-A. GRCh37 (hg19) VCF-style: chr16-1270794-G-A.
Other names: c.6844G>A, p.Val2282Met (NM_001005407.2); short protein forms V2282M, V2288M.
Identifiers: ClinVar variation 2100068 (VCV002100068.4), dbSNP rs2548740287, ClinGen allele CA394151032.

ClinVar aggregate classification (germline): Uncertain significance (1 of 4 stars; one submission).

Conditions:
Idiopathic generalized epilepsy. Also called: EIG; Generalised epilepsy. Identifiers: MedGen C0270850, MONDO:0005579, OMIM 600669.
Hyperaldosteronism, familial, type IV (HALD4). Also called: FH IV; ALDOSTERONISM, PRIMARY, AND HYPERTENSION. Identifiers: Orphanet 642671, MedGen C4310756, MONDO:0014875, OMIM 617027.

Submission:

Labcorp Genetics (formerly Invitae), Labcorp
Classification: Uncertain significance for Idiopathic generalized epilepsy; Hyperaldosteronism, familial, type IV. Last evaluated: 2022-10-13. Review status: criteria provided, single submitter. Criteria: Invitae Variant Classification Sherloc (09022015). Collection method: clinical testing. Allele origin: germline.
Comment: This variant has not been reported in the literature in individuals affected with CACNA1H-related conditions. In summary, the available evidence is currently insufficient to determine the role of this variant in disease. Therefore, it has been classified as a Variant of Uncertain Significance. Advanced modeling of protein sequence and biophysical properties (such as structural, functional, and spatial information, amino acid conservation, physicochemical variation, residue mobility, and thermodynamic stability) performed at Invitae indicates that this missense variant is not expected to disrupt CACNA1H protein function. This variant is not present in population databases (gnomAD no frequency). This sequence change replaces valine, which is neutral and non-polar, with methionine, which is neutral and non-polar, at codon 2288 of the CACNA1H protein (p.Val2288Met).